The following is an entry in ClinVar:

NM_005546.4(ITK):c.344G>A (p.Ser115Asn)

Gene: ITK (IL2 inducible T cell kinase; plus strand). Cytogenetic location: 5q33.3.
Variant type: single nucleotide variant.
Coding change: c.344G>A on transcript NM_005546.4 (MANE Select); coding-DNA position 344, G replaced by A.
Protein change: p.Ser115Asn; replaces serine 115 with asparagine.
Molecular consequence: missense variant.
Genome position (GRCh38, 1-based): chr5:157,214,209, G>A. VCF-style: chr5-157214209-G-A. GRCh37 (hg19) VCF-style: chr5-156641220-G-A.
Other names: short protein forms S115N.
Identifiers: ClinVar variation 1362779 (VCV001362779.3), dbSNP rs759851827, ClinGen allele CA3532733.

ClinVar aggregate classification (germline): Uncertain significance (1 of 4 stars; one submission).

Conditions:
Lymphoproliferative syndrome 1 (LPFS1). Identifiers: Orphanet 238505, Orphanet 538963, MedGen C3552634, MONDO:0013081, OMIM 613011.

Allele frequency attached by ClinVar (database versions not stated): gnomAD exomes below 0.00001 and 0.00002; ExAC 0.00001; TOPMed 0.00001; gnomAD 0.00003.
gnomAD v4.1: 10 of 1,611,022 alleles (0.00062%); highest among the groups gnomAD compares: Admixed American, 0.015%; no homozygotes.

Submission:

Labcorp Genetics (formerly Invitae), Labcorp
Classification: Uncertain significance for Lymphoproliferative syndrome 1. Last evaluated: 2022-08-16. Review status: criteria provided, single submitter. Criteria: Invitae Variant Classification Sherloc (09022015). Collection method: clinical testing. Allele origin: germline.
Comment: This sequence change replaces serine, which is neutral and polar, with asparagine, which is neutral and polar, at codon 115 of the ITK protein (p.Ser115Asn). This variant is present in population databases (rs759851827, gnomAD 0.02%). This variant has not been reported in the literature in individuals affected with ITK-related conditions. ClinVar contains an entry for this variant (Variation ID: 1362779). Advanced modeling of protein sequence and biophysical properties (such as structural, functional, and spatial information, amino acid conservation, physicochemical variation, residue mobility, and thermodynamic stability) performed at Invitae indicates that this missense variant is not expected to disrupt ITK protein function. In summary, the available evidence is currently insufficient to determine the role of this variant in disease. Therefore, it has been classified as a Variant of Uncertain Significance.